The following is an entry in ClinVar:

ClinVar aggregate classification (germline): Likely pathogenic (1 of 4 stars; one submission).

Submission:

Labcorp Genetics (formerly Invitae), Labcorp
Classification: Likely pathogenic. Last evaluated: 2025-03-11. Review status: criteria provided, single submitter. Criteria: Invitae Variant Classification Sherloc (09022015). Collection method: clinical testing. Allele origin: germline.
Comment: This sequence change affects an acceptor splice site in intron 6 of the HARS2 gene. It is expected to disrupt RNA splicing. Variants that disrupt the donor or acceptor splice site typically lead to a loss of protein function (PMID: 16199547), and loss-of-function variants in HARS2 are known to be pathogenic (PMID: 31827252). This variant is present in population databases (no rsID available, gnomAD 0.0009%). This variant has not been reported in the literature in individuals affected with HARS2-related conditions. Algorithms developed to predict the effect of sequence changes on RNA splicing suggest that this variant may disrupt the consensus splice site. In summary, the currently available evidence indicates that the variant is pathogenic, but additional data are needed to prove that conclusively. Therefore, this variant has been classified as Likely Pathogenic.

Literature cited by the submitters: PubMed 16199547; PubMed 31827252.

NM_012208.4(HARS2):c.634-1G>T

Gene: HARS2 (histidyl-tRNA synthetase 2, mitochondrial; plus strand). Cytogenetic location: 5q31.3.
Variant type: single nucleotide variant.
Coding change: c.634-1G>T on transcript NM_012208.4 (MANE Select); the canonical splice acceptor site of the intron before coding-DNA position 634, G replaced by T.
Molecular consequence: splice acceptor variant.
Genome position (GRCh38, 1-based): chr5:140,696,102, G>T. VCF-style: chr5-140696102-G-T. GRCh37 (hg19) VCF-style: chr5-140075687-G-T.
Other names: c.202-1G>T (NM_001278732.2); c.652-1G>T (NM_001363535.2); c.559-1G>T (NM_001278731.2); c.424-1G>T (NM_001363536.2).
Identifiers: ClinVar variation 3687534 (VCV003687534.2).